The following is an entry in ClinVar:

ClinVar aggregate classification (germline): Uncertain significance. Review status: criteria provided, multiple submitters, no conflicts (2 of 4 stars). 2 submissions from 2 submitters: Uncertain significance (2). Last evaluated 2025-02-08.

Conditions:
Inborn genetic diseases. Identifiers: MedGen C0950123, MeSH D030342.
Jeune thoracic dystrophy. Also called: Jeune syndrome; Infantile thoracic dystrophy; Thoracic pelvic phalangeal dystrophy; Jeune's syndrome; Chondroectodermal dysplasia-like syndrome; Short-rib thoracic dysplasia. Identifiers: Orphanet 474, MedGen C0265275, MONDO:0018770.

Allele frequency attached by ClinVar (database versions not stated): gnomAD 0.00001; ExAC 0.00003; gnomAD exomes 0.00003 and 0.00004; 1000 Genomes Project 30x 0.00016; 1000 Genomes Project 0.00020.
gnomAD v4.1: 19 of 1,613,670 alleles (0.0012%); highest among the groups gnomAD compares: Admixed American, 0.03%; no homozygotes.

Submissions (2):

Ambry Genetics
Classification: Uncertain significance for Inborn genetic diseases. Last evaluated: 2025-02-08. Review status: criteria provided, single submitter. Criteria: Ambry Variant Classification Scheme 2023. Collection method: clinical testing. Allele origin: germline.

Labcorp Genetics (formerly Invitae), Labcorp
Classification: Uncertain significance for Jeune thoracic dystrophy. Last evaluated: 2021-09-01. Review status: criteria provided, single submitter. Criteria: Invitae Variant Classification Sherloc (09022015). Collection method: clinical testing. Allele origin: germline.
Comment: This sequence change replaces lysine with isoleucine at codon 572 of the DYNC2H1 protein (p.Lys572Ile). The lysine residue is moderately conserved and there is a moderate physicochemical difference between lysine and isoleucine. This variant is present in population databases (rs190861340, ExAC 0.03%). This variant has not been reported in the literature in individuals affected with DYNC2H1-related conditions. Advanced modeling of protein sequence and biophysical properties (such as structural, functional, and spatial information, amino acid conservation, physicochemical variation, residue mobility, and thermodynamic stability) performed at Invitae indicates that this missense variant is not expected to disrupt DYNC2H1 protein function. In summary, the available evidence is currently insufficient to determine the role of this variant in disease. Therefore, it has been classified as a Variant of Uncertain Significance.

NM_001377.3(DYNC2H1):c.1715A>T (p.Lys572Ile)

Gene: DYNC2H1 (dynein cytoplasmic 2 heavy chain 1; plus strand). Cytogenetic location: 11q22.3.
Variant type: single nucleotide variant.
Coding change: c.1715A>T on transcript NM_001377.3 (MANE Select); coding-DNA position 1715, A replaced by T.
Protein change: p.Lys572Ile; replaces lysine 572 with isoleucine.
Molecular consequence: missense variant.
Genome position (GRCh38, 1-based): chr11:103,125,153, A>T. VCF-style: chr11-103125153-A-T. GRCh37 (hg19) VCF-style: chr11-102995882-A-T.
Other names: c.1715A>T (NM_001080463.1); c.1715A>T, p.Lys572Ile (NM_001080463.2); short protein forms K572I.
Identifiers: ClinVar variation 1441025 (VCV001441025.6), dbSNP rs190861340, ClinGen allele CA6252863.
Genomic context (GRCh38, chr11:103,125,153, plus strand): 5'-TTTATAGTATTGAGGCTAGTAGTCGAATTATGGAATTGGATTCTAATGATGGATTACTAA[A>T]AGTGCATTATTCAGATCGTTTGGTGATTCTTCTGAGAGAAGTTCGTCAGCTCTCTGCACT-3'
Protein context (NP_001368.2, residues 562-582): MELDSNDGLL[Lys572Ile]VHYSDRLVIL